The following is an entry in ClinVar:

ClinVar aggregate classification (germline): Uncertain significance (1 of 4 stars; one submission).

Conditions:
Hypertrophic cardiomyopathy 14. Identifiers: MedGen C2750467, MONDO:0013197, OMIM 613251.

Allele frequency attached by ClinVar (database versions not stated): gnomAD exomes below 0.00001; TOPMed below 0.00001; gnomAD 0.00001.
gnomAD v4.1: 2 of 1,613,868 alleles (0.00012%); highest among the groups gnomAD compares: Non-Finnish European, 0.00017%; no homozygotes.

Submission:

Labcorp Genetics (formerly Invitae), Labcorp
Classification: Uncertain significance for Hypertrophic cardiomyopathy 14. Last evaluated: 2019-06-28. Review status: criteria provided, single submitter. Criteria: Invitae Variant Classification Sherloc (09022015). Collection method: clinical testing. Allele origin: germline.
Comment: In summary, the available evidence is currently insufficient to determine the role of this variant in disease. Therefore, it has been classified as a Variant of Uncertain Significance. Algorithms developed to predict the effect of missense changes on protein structure and function (SIFT, PolyPhen-2, Align-GVGD) all suggest that this variant is likely to be tolerated, but these predictions have not been confirmed by published functional studies and their clinical significance is uncertain. This variant has not been reported in the literature in individuals with MYH6-related conditions. This variant is not present in population databases (ExAC no frequency). This sequence change replaces lysine with glutamic acid at codon 1081 of the MYH6 protein (p.Lys1081Glu). The lysine residue is weakly conserved and there is a small physicochemical difference between lysine and glutamic acid.

NM_002471.4(MYH6):c.3241A>G (p.Lys1081Glu)

Gene: MYH6 (myosin heavy chain 6; minus strand). Cytogenetic location: 14q11.2.
Variant type: single nucleotide variant.
Coding change: c.3241A>G on transcript NM_002471.4 (MANE Select); coding-DNA position 3241, A replaced by G.
Protein change: p.Lys1081Glu; replaces lysine 1081 with glutamic acid.
Molecular consequence: missense variant.
Genome position (GRCh38, 1-based): chr14:23,392,922, T>C on the plus strand (A>G on the coding strand, the complement: MYH6 is on the minus strand). VCF-style: chr14-23392922-T-C. GRCh37 (hg19) VCF-style: chr14-23862131-T-C.
Other names: short protein forms K1081E.
Identifiers: ClinVar variation 943257 (VCV000943257.9), dbSNP rs1158303073, ClinGen allele CA389007558.